The following is an entry in ClinVar:

ClinVar aggregate classification (germline): Likely benign. Review status: criteria provided, multiple submitters, no conflicts (2 of 4 stars). 5 submissions from 5 submitters: Likely benign (5). Last evaluated 2025-04-22.

Conditions:
Dilated cardiomyopathy 1G (CMD1G). Identifiers: Orphanet 154, MedGen C1858763, MONDO:0011400, OMIM 604145.
Autosomal recessive limb-girdle muscular dystrophy type 2J (LGMDR10). Also called: MUSCULAR DYSTROPHY, LIMB-GIRDLE, AUTOSOMAL RECESSIVE 10; Limb-girdle muscular dystrophy, type 2J. Identifiers: Orphanet 140922, MedGen C1837342, MONDO:0012127, OMIM 608807.
Cardiomyopathy (CMYO). Also called: Cardiomyopathies. Identifiers: Orphanet 167848, MedGen C0878544, MONDO:0004994, HP:0001638. Inheritance: Various modes of inheritance.

Allele frequency attached by ClinVar (database versions not stated): gnomAD exomes below 0.00001 and 0.00001; TOPMed below 0.00001; gnomAD 0.00001.
gnomAD v4.1: 17 of 1,613,674 alleles (0.0011%); highest among the groups gnomAD compares: Non-Finnish European, 0.001%; no homozygotes.

Submissions (5):

Labcorp Genetics (formerly Invitae), Labcorp
Classification: Likely benign for Dilated cardiomyopathy 1G; Autosomal recessive limb-girdle muscular dystrophy type 2J. Last evaluated: 2025-04-22. Review status: criteria provided, single submitter. Criteria: Invitae Variant Classification Sherloc (09022015). Collection method: clinical testing. Allele origin: germline.

Blueprint Genetics
Classification: Likely benign. Last evaluated: 2024-03-27. Review status: criteria provided, single submitter. Criteria: ACMG Guidelines, 2015. Collection method: clinical testing. Allele origin: germline.

CeGaT Center for Human Genetics Tuebingen
Classification: Likely benign. Last evaluated: 2023-08-01. Review status: criteria provided, single submitter. Criteria: CeGaT Center For Human Genetics Tuebingen Variant Classification Criteria Version 2. Collection method: clinical testing. Allele origin: germline. Affected: yes. Observed: 1 variant allele.
Comment: TTN: BP4, BP7

CHEO Genetics Diagnostic Laboratory, Children's Hospital of Eastern Ontario
Classification: Likely benign for Cardiomyopathy. Last evaluated: 2019-09-13. Review status: criteria provided, single submitter. Criteria: ACMG Guidelines, 2015. Collection method: clinical testing. Allele origin: germline.

GeneDx
Classification: Likely benign. Last evaluated: 2017-05-30. Review status: criteria provided, single submitter. Criteria: GeneDx Variant Classification (06012015). Collection method: clinical testing. Allele origin: germline. Affected: yes.
Comment: This variant is considered likely benign or benign based on one or more of the following criteria: it is a conservative change, it occurs at a poorly conserved position in the protein, it is predicted to be benign by multiple in silico algorithms, and/or has population frequency not consistent with disease.

NM_001267550.2(TTN):c.86511C>T (p.Thr28837=)

Genes: TTN (titin; minus strand), TTN-AS1 (TTN antisense RNA 1; plus strand). Cytogenetic location: 2q31.2.
Variant type: single nucleotide variant.
Coding change: c.86511C>T on transcript NM_001267550.2 (MANE Select); coding-DNA position 86511, C replaced by T.
Protein change: p.Thr28837=; no amino-acid change (threonine 28837 retained).
Molecular consequence: synonymous variant.
Genome position (GRCh38, 1-based): chr2:178,559,621, G>A on the plus strand (C>T on the coding strand, the complement: TTN is on the minus strand). VCF-style: chr2-178559621-G-A. GRCh37 (hg19) VCF-style: chr2-179424348-G-A.
Other names: c.81588C>T, p.Thr27196= (NM_001256850.1); c.59316C>T, p.Thr19772= (NM_003319.4); c.78807C>T, p.Thr26269= (NM_133378.4); c.59691C>T, p.Thr19897= (NM_133432.3); c.59892C>T, p.Thr19964= (NM_133437.4).
Identifiers: ClinVar variation 510004 (VCV000510004.35), dbSNP rs1455136677, ClinGen allele CA430247915.